The following is an entry in ClinVar:

NM_001130823.3(DNMT1):c.4845A>T (p.Lys1615Asn)

Gene: DNMT1 (DNA methyltransferase 1; minus strand). Cytogenetic location: 19p13.2.
Variant type: single nucleotide variant.
Coding change: c.4845A>T on transcript NM_001130823.3 (MANE Select); coding-DNA position 4845, A replaced by T.
Protein change: p.Lys1615Asn; replaces lysine 1615 with asparagine.
Molecular consequence: missense variant.
Genome position (GRCh38, 1-based): chr19:10,134,236, T>A on the plus strand (A>T on the coding strand, the complement: DNMT1 is on the minus strand). VCF-style: chr19-10134236-T-A. GRCh37 (hg19) VCF-style: chr19-10244912-T-A.
Other names: c.4806A>T, p.Lys1602Asn (NM_001318730.2); c.4482A>T, p.Lys1494Asn (NM_001318731.2); c.4797A>T, p.Lys1599Asn (NM_001379.4); short protein forms K1602N, K1615N, K1494N, K1599N.
Identifiers: ClinVar variation 1044882 (VCV001044882.10), dbSNP rs2089433358, ClinGen allele CA403967200.

ClinVar aggregate classification (germline): Uncertain significance. Review status: criteria provided, multiple submitters, no conflicts (2 of 4 stars). 2 submissions from 2 submitters: Uncertain significance (2). Last evaluated 2023-07-14.

Conditions:
Hereditary sensory neuropathy-deafness-dementia syndrome. Also called: NEUROPATHY, HEREDITARY SENSORY, WITH HEARING LOSS AND DEMENTIA; Hereditary sensory neuropathy type IE; Hereditary Sensory and Autonomic Neuropathy Type 1E (HSAN1E); HSN IE. Identifiers: Orphanet 456318, MedGen C3279885, MONDO:0013584, OMIM 614116.

Allele frequency attached by ClinVar (database versions not stated): gnomAD exomes below 0.00001.
gnomAD v4.1: 4 of 1,614,192 alleles (0.00025%); highest among the groups gnomAD compares: Non-Finnish European, 0.00034%; no homozygotes.

Submissions (2):

Labcorp Genetics (formerly Invitae), Labcorp
Classification: Uncertain significance for Hereditary sensory neuropathy-deafness-dementia syndrome. Last evaluated: 2023-07-14. Review status: criteria provided, single submitter. Criteria: Invitae Variant Classification Sherloc (09022015). Collection method: clinical testing. Allele origin: germline.
Comment: In summary, the available evidence is currently insufficient to determine the role of this variant in disease. Therefore, it has been classified as a Variant of Uncertain Significance. Advanced modeling of protein sequence and biophysical properties (such as structural, functional, and spatial information, amino acid conservation, physicochemical variation, residue mobility, and thermodynamic stability) performed at Invitae indicates that this missense variant is not expected to disrupt DNMT1 protein function. ClinVar contains an entry for this variant (Variation ID: 1044882). This variant has not been reported in the literature in individuals affected with DNMT1-related conditions. This variant is not present in population databases (gnomAD no frequency). This sequence change replaces lysine, which is basic and polar, with asparagine, which is neutral and polar, at codon 1615 of the DNMT1 protein (p.Lys1615Asn).

GeneDx
Classification: Uncertain significance. Last evaluated: 2020-03-19. Review status: criteria provided, single submitter. Criteria: GeneDx Variant Classification Process June 2021. Collection method: clinical testing. Allele origin: germline. Affected: yes.
Comment: Not observed in large population cohorts (Lek et al., 2016); In silico analysis supports that this missense variant does not alter protein structure/function; Has not been previously published as pathogenic or benign to our knowledge